The following is an entry in ClinVar:

NM_002691.4(POLD1):c.1919C>T (p.Thr640Ile)

Gene: POLD1 (DNA polymerase delta 1, catalytic subunit; plus strand). Cytogenetic location: 19q13.33.
Variant type: single nucleotide variant.
Coding change: c.1919C>T on transcript NM_002691.4 (MANE Select); coding-DNA position 1919, C replaced by T.
Protein change: p.Thr640Ile; replaces threonine 640 with isoleucine.
Molecular consequence: missense variant. On other transcripts: non-coding transcript variant (1).
Genome position (GRCh38, 1-based): chr19:50,409,148, C>T. VCF-style: chr19-50409148-C-T. GRCh37 (hg19) VCF-style: chr19-50912405-C-T.
Other names: c.1919C>T, p.Thr640Ile (NM_001256849.1); c.1997C>T, p.Thr666Ile (NM_001308632.1); short protein forms T640I, T666I.
Identifiers: ClinVar variation 1782618 (VCV001782618.7), dbSNP rs771527077, ClinGen allele CA406982244.

ClinVar aggregate classification (germline): Uncertain significance. Review status: criteria provided, multiple submitters, no conflicts (2 of 4 stars). 2 submissions from 2 submitters: Uncertain significance (2). Last evaluated 2025-07-30.

Conditions:
POLD1-related polyposis and colorectal cancer syndrome (CRCS10). Also called: Colorectal cancer 10; COLORECTAL CANCER, SUSCEPTIBILITY TO, ON CHROMOSOME 19q; Colorectal cancer, susceptibility to, 10. Identifiers: Orphanet 220460, MedGen C2675481, MONDO:0012953, OMIM 612591.
Hereditary cancer-predisposing syndrome. Also called: Tumor predisposition; Hereditary Cancer Syndrome; Hereditary neoplastic syndrome; Neoplastic Syndromes, Hereditary. Identifiers: Orphanet 140162, MedGen C0027672, MeSH D009386, MONDO:0015356.

gnomAD v4.1: 1 of 1,612,866 alleles (0.000062%); highest among the groups gnomAD compares: Non-Finnish European, 0.000085%; no homozygotes.

Submissions (2):

Labcorp Genetics (formerly Invitae), Labcorp
Classification: Uncertain significance for POLD1-related polyposis and colorectal cancer syndrome. Last evaluated: 2025-07-30. Review status: criteria provided, single submitter. Criteria: Invitae Variant Classification Sherloc (09022015). Collection method: clinical testing. Allele origin: germline.
Comment: This sequence change replaces threonine, which is neutral and polar, with isoleucine, which is neutral and non-polar, at codon 640 of the POLD1 protein (p.Thr640Ile). This variant is present in population databases (no rsID available, gnomAD 0.0009%). This variant has not been reported in the literature in individuals affected with POLD1-related conditions. ClinVar contains an entry for this variant (Variation ID: 1782618). Invitae Evidence Modeling of protein sequence and biophysical properties (such as structural, functional, and spatial information, amino acid conservation, physicochemical variation, residue mobility, and thermodynamic stability) indicates that this missense variant is expected to disrupt POLD1 protein function with a positive predictive value of 80%. In summary, the available evidence is currently insufficient to determine the role of this variant in disease. Therefore, it has been classified as a Variant of Uncertain Significance.

Ambry Genetics
Classification: Uncertain significance for Hereditary cancer-predisposing syndrome. Last evaluated: 2022-03-11. Review status: criteria provided, single submitter. Criteria: Ambry Variant Classification Scheme 2023. Collection method: clinical testing. Allele origin: germline.
Comment: The p.T640I variant (also known as c.1919C>T), located in coding exon 15 of the POLD1 gene, results from a C to T substitution at nucleotide position 1919. The threonine at codon 640 is replaced by isoleucine, an amino acid with similar properties. This amino acid position is conserved. In addition, the in silico prediction for this alteration is inconclusive. Since supporting evidence is limited at this time, the clinical significance of this alteration remains unclear.